The following is an entry in ClinVar:

ClinVar aggregate classification (germline): Conflicting classifications of pathogenicity. Review status: criteria provided, conflicting classifications (1 of 4 stars). 7 submissions from 7 submitters: Uncertain significance (5); Likely benign (1). 1 of the submissions does not count toward it. Last evaluated 2025-06-03.

Conditions:
Thickened nuchal skin fold. Identifiers: MedGen C1836940, HP:0000474.
Hydrops fetalis. Identifiers: Orphanet 1041, MedGen C0020305, MONDO:0015193, HP:0001789.
Polyhydramnios. Also called: Polyhydramnios (disease); Hydramnios. Identifiers: MedGen C0020224, MONDO:0004585, HP:0001561.

Allele frequency attached by ClinVar (database versions not stated): 1000 Genomes Project 0.00020; 1000 Genomes Project 30x 0.00031; gnomAD 0.00049 and 0.00057; TOPMed 0.00066.
gnomAD v4.1: 185 of 1,548,540 alleles (0.012%); highest among the groups gnomAD compares: African/African-American, 0.18%; no homozygotes.

Submissions (7):

GeneDx
Classification: Uncertain significance. Last evaluated: 2025-06-03. Review status: criteria provided, single submitter. Criteria: GeneDx Variant Classification Process June 2021. Collection method: clinical testing. Allele origin: germline. Affected: yes.
Comment: In silico analysis suggests that this missense variant does not alter protein structure/function; This variant is associated with the following publications: (PMID: 30244526, 31680349, 36484990)

ARUP Laboratories, Molecular Genetics and Genomics, ARUP Laboratories
Classification: Likely benign. Last evaluated: 2024-03-27. Review status: criteria provided, single submitter. Criteria: ARUP Molecular Germline Variant Investigation Process 2024. Collection method: clinical testing. Allele origin: germline.

Mayo Clinic Laboratories, Mayo Clinic
Classification: Uncertain significance. Last evaluated: 2023-11-06. Review status: criteria provided, single submitter. Criteria: ACMG Guidelines, 2015. Collection method: clinical testing. Allele origin: germline. Observed: 1 variant allele.
Comment: BP4

Labcorp Genetics (formerly Invitae), Labcorp
Classification: Uncertain significance. Last evaluated: 2023-04-07. Review status: criteria provided, single submitter. Criteria: Invitae Variant Classification Sherloc (09022015). Collection method: clinical testing. Allele origin: germline.
Comment: This sequence change replaces glycine, which is neutral and non-polar, with arginine, which is basic and polar, at codon 1629 of the PIEZO1 protein (p.Gly1629Arg). This variant is present in population databases (rs533910472, gnomAD 0.1%). This missense change has been observed in individual(s) with hydrops fetalis (PMID: 31680349). ClinVar contains an entry for this variant (Variation ID: 978654). Advanced modeling of protein sequence and biophysical properties (such as structural, functional, and spatial information, amino acid conservation, physicochemical variation, residue mobility, and thermodynamic stability) performed at Invitae indicates that this missense variant is not expected to disrupt PIEZO1 protein function. In summary, the available evidence is currently insufficient to determine the role of this variant in disease. Therefore, it has been classified as a Variant of Uncertain Significance.

Blueprint Genetics
Classification: Uncertain significance. Last evaluated: 2023-02-09. Review status: criteria provided, single submitter. Criteria: ACMG Guidelines, 2015. Collection method: clinical testing. Allele origin: germline.

Center for Reproductive Medicine, Peking University Third Hospital
Classification: Uncertain significance for Hydrops fetalis; Polyhydramnios; Thickened nuchal skin fold. Last evaluated: 2019-10-16. Review status: criteria provided, single submitter. Criteria: ACMG Guidelines, 2015. Collection method: clinical testing. Allele origin: germline. Affected: yes.

Department of Pathology and Laboratory Medicine, Sinai Health System
Classification: Uncertain significance. Review status: no assertion criteria provided. Collection method: clinical testing. Allele origin: unknown. Affected: yes. Study: The Canadian Open Genetics Repository (COGR). Not counted in ClinVar's aggregate classification.
Comment: The PIEZO1 p.Gly1629Arg variant was not identified in the literature nor was it identified in the ClinVar, Cosmic, or LOVD 3.0 databases. The variant was identified in dbSNP (ID: rs533910472) and in control databases in 24 of 182774 chromosomes at a frequency of 0.000131 (Genome Aggregation Database Feb 27, 2017). The variant was observed in the following populations: African in 22 of 16558 chromosomes (freq: 0.001329) and East Asian in 2 of 12412 chromosomes (freq: 0.000161); it was not observed in the Latino, Ashkenazi Jewish, European (Finnish), European (non-Finnish), Other or South Asian populations. The p.Gly1629 residue is not conserved in mammals and four out of five computational analyses (PolyPhen-2, SIFT, AlignGVGD, MutationTaster) do not suggest a high likelihood of impact to the protein; however, this information is not predictive enough to rule out pathogenicity. The variant occurs outside of the splicing consensus sequence and 3 of 4 in silico or computational prediction software programs (MaxEntScan, NNSPLICE, GeneSplicer) do not predict a difference in splicing. In summary, based on the above information the clinical significance of this variant cannot be determined with certainty at this time. This variant is classified as a variant of uncertain significance.

Literature cited by the submitters: PubMed 31680349 (cited by 3 submitters); PubMed 36484990 (cited by Mayo Clinic Laboratories, Mayo Clinic); PubMed 30244526 (cited by Center for Reproductive Medicine, Peking University Third Hospital).

NM_001142864.4(PIEZO1):c.4885G>A (p.Gly1629Arg)

Gene: PIEZO1 (piezo type mechanosensitive ion channel component 1 (Er blood group); minus strand). Cytogenetic location: 16q24.3.
Variant type: single nucleotide variant.
Coding change: c.4885G>A on transcript NM_001142864.4 (MANE Select); coding-DNA position 4885, G replaced by A.
Protein change: p.Gly1629Arg; replaces glycine 1629 with arginine.
Molecular consequence: missense variant.
Genome position (GRCh38, 1-based): chr16:88,722,288, C>T on the plus strand (G>A on the coding strand, the complement: PIEZO1 is on the minus strand). VCF-style: chr16-88722288-C-T. GRCh37 (hg19) VCF-style: chr16-88788696-C-T.
Other names: p.Gly1629Arg; c.4885G>A (NM_001142864.2); short protein forms G1629R.
Identifiers: ClinVar variation 978654 (VCV000978654.13), dbSNP rs533910472, ClinGen allele CA8232010.
Genomic context (GRCh38, chr16:88,722,288, plus strand): 5'-GCAGCTCGCTGGCCGTCCGCATCAGTCCCTGGTACAGAGAGGCACCAGCCTCACGCTCCC[C>T]GGGGTCGGTGACTGCCTCCTCACTGCCACTGCGCGTGTGGTAGCCGGTGCTCAGGGGGCT-3'
Protein context (NP_001136336.2, residues 1619-1639): SGSEEAVTDP[Gly1629Arg]EREAGASLYQ